The following is an entry in ClinVar:

ClinVar aggregate classification (germline): Conflicting classifications of pathogenicity. Review status: criteria provided, conflicting classifications (1 of 4 stars). 3 submissions from 3 submitters: Uncertain significance (2); Likely benign (1). Last evaluated 2026-01-01.

Conditions:
Hereditary cancer-predisposing syndrome. Also called: Tumor predisposition; Neoplastic Syndromes, Hereditary; Hereditary Cancer Syndrome; Hereditary neoplastic syndrome. Identifiers: Orphanet 140162, MedGen C0027672, MeSH D009386, MONDO:0015356.
POLD1-related polyposis and colorectal cancer syndrome (CRCS10). Also called: Colorectal cancer 10; COLORECTAL CANCER, SUSCEPTIBILITY TO, ON CHROMOSOME 19q; Colorectal cancer, susceptibility to, 10. Identifiers: Orphanet 220460, MedGen C2675481, MONDO:0012953, OMIM 612591.

Allele frequency attached by ClinVar (database versions not stated): gnomAD exomes below 0.00001 and 0.00001; gnomAD 0.00001; ExAC 0.00003; TOPMed 0.00005.

Submissions (3):

Labcorp Genetics (formerly Invitae), Labcorp
Classification: Uncertain significance for POLD1-related polyposis and colorectal cancer syndrome. Last evaluated: 2026-01-01. Review status: criteria provided, single submitter. Criteria: Invitae Variant Classification Sherloc (09022015). Collection method: clinical testing. Allele origin: germline.
Comment: This sequence change replaces arginine, which is basic and polar, with histidine, which is basic and polar, at codon 232 of the POLD1 protein (p.Arg232His). This variant is present in population databases (rs760077781, gnomAD 0.007%). This variant has not been reported in the literature in individuals affected with POLD1-related conditions. ClinVar contains an entry for this variant (Variation ID: 565934). Invitae Evidence Modeling of protein sequence and biophysical properties (such as structural, functional, and spatial information, amino acid conservation, physicochemical variation, residue mobility, and thermodynamic stability) indicates that this missense variant is not expected to disrupt POLD1 protein function with a negative predictive value of 80%. In summary, the available evidence is currently insufficient to determine the role of this variant in disease. Therefore, it has been classified as a Variant of Uncertain Significance.

Ambry Genetics
Classification: Likely benign for Hereditary cancer-predisposing syndrome. Last evaluated: 2025-11-14. Review status: criteria provided, single submitter. Criteria: Ambry Variant Classification Scheme 2023. Collection method: clinical testing. Allele origin: germline.

GeneDx
Classification: Uncertain significance. Last evaluated: 2019-11-01. Review status: criteria provided, single submitter. Criteria: GeneDx Variant Classification Process June 2021. Collection method: clinical testing. Allele origin: germline. Affected: yes.
Comment: Not observed at a significant frequency in large population cohorts (Lek 2016); In silico analysis, which includes protein predictors and evolutionary conservation, supports that this variant does not alter protein structure/function; Has not been previously published as pathogenic or benign to our knowledge

NM_002691.4(POLD1):c.695G>A (p.Arg232His)

Gene: POLD1 (DNA polymerase delta 1, catalytic subunit; plus strand). Cytogenetic location: 19q13.33.
Variant type: single nucleotide variant.
Coding change: c.695G>A on transcript NM_002691.4 (MANE Select); coding-DNA position 695, G replaced by A.
Protein change: p.Arg232His; replaces arginine 232 with histidine.
Molecular consequence: missense variant. On other transcripts: non-coding transcript variant (1).
Genome position (GRCh38, 1-based): chr19:50,402,310, G>A. VCF-style: chr19-50402310-G-A. GRCh37 (hg19) VCF-style: chr19-50905567-G-A.
Other names: c.695G>A, p.Arg232His (NM_001256849.1, NM_001308632.1); c.695G>A (NM_002691.2); short protein forms R232H.
Identifiers: ClinVar variation 565934 (VCV000565934.16), dbSNP rs760077781, ClinGen allele CA9595864.